The following is an entry in ClinVar:

NM_003400.4(XPO1):c.3014_3018del (p.Asn1005fs)

Genes: USP34-DT (USP34 divergent transcript; plus strand), XPO1 (exportin 1; minus strand). Cytogenetic location: 2p15.
Variant type: Deletion.
Coding change: c.3014_3018del on transcript NM_003400.4 (MANE Select); coding-DNA positions 3014 to 3018, 5 bases deleted (ATCAA; older notation c.3014_3018delATCAA).
Protein change: p.Asn1005fs; shifts the reading frame from asparagine 1005.
Molecular consequence: frameshift variant.
Genome position (GRCh38, 1-based): chr2:61,481,236-61,481,240, TTGAT deleted on the plus strand (ATCAA on the coding strand, the reverse complement: XPO1 is on the minus strand); deleting any 5 consecutive bases within chr2:61,481,236-61,481,242 gives the same sequence; the c. name uses the placement nearest the transcript's 3' end. VCF-style (leftmost placement, unchanged base first): chr2-61481235-CTTGAT-C. GRCh37 (hg19) VCF-style: chr2-61708370-CTTGAT-C.
Other names: c.2879_2883del, p.Asn960fs (NM_001410799.1); short protein forms N1005fs, N960fs.
Identifiers: ClinVar variation 4073395 (VCV004073395.1).

ClinVar aggregate classification (germline): Pathogenic (1 of 4 stars; one submission).

Conditions:
XPO1-associated Neurodevelopmental Disorder.

Submission:

Genome Diagnostics Laboratory, University Medical Center Utrecht
Classification: Pathogenic for XPO1-associated Neurodevelopmental Disorder. Last evaluated: 2025-07-21. Review status: criteria provided, single submitter. Criteria: ACMG Guidelines, 2015. Collection method: research. Allele origin: germline. Affected: yes.
Comment: ACMG/AMP (Richards et al, 2015): PVS1, PS2, PM2